The following is an entry in ClinVar:

ClinVar aggregate classification (germline): Uncertain significance. Review status: criteria provided, multiple submitters, no conflicts (2 of 4 stars). 3 submissions from 3 submitters: Uncertain significance (3). Last evaluated 2024-11-16.

Conditions:
Hereditary cancer-predisposing syndrome. Also called: Neoplastic Syndromes, Hereditary; Hereditary Cancer Syndrome; Hereditary neoplastic syndrome; Tumor predisposition. Identifiers: Orphanet 140162, MedGen C0027672, MeSH D009386, MONDO:0015356.
Familial thoracic aortic aneurysm and aortic dissection (TAAD). Also called: Thoracic aortic aneurysms and dissections. Identifiers: Orphanet 91387, MedGen C4707243, MONDO:0019625.
Juvenile polyposis syndrome (JPS). Identifiers: Orphanet 2929, MedGen C0345893, MONDO:0017380, OMIM 174900.

Submissions (3):

Ambry Genetics
Classification: Uncertain significance for Hereditary cancer-predisposing syndrome; Familial thoracic aortic aneurysm and aortic dissection. Last evaluated: 2024-11-16. Review status: criteria provided, single submitter. Criteria: Ambry Variant Classification Scheme 2023. Collection method: clinical testing. Allele origin: germline.
Comment: The p.Q239H variant (also known as c.717G>C), located in coding exon 5 of the SMAD4 gene, results from a G to C substitution at nucleotide position 717. The glutamine at codon 239 is replaced by histidine, an amino acid with highly similar properties. This amino acid position is highly conserved in available vertebrate species. In addition, this alteration is predicted to be tolerated by in silico analysis. Since supporting evidence is limited at this time, the clinical significance of this alteration remains unclear.

Labcorp Genetics (formerly Invitae), Labcorp
Classification: Uncertain significance for Juvenile polyposis syndrome. Last evaluated: 2024-01-22. Review status: criteria provided, single submitter. Criteria: Invitae Variant Classification Sherloc (09022015). Collection method: clinical testing. Allele origin: germline.
Comment: This sequence change replaces glutamine, which is neutral and polar, with histidine, which is basic and polar, at codon 239 of the SMAD4 protein (p.Gln239His). This variant is not present in population databases (gnomAD no frequency). This variant has not been reported in the literature in individuals affected with SMAD4-related conditions. ClinVar contains an entry for this variant (Variation ID: 826889). Advanced modeling of protein sequence and biophysical properties (such as structural, functional, and spatial information, amino acid conservation, physicochemical variation, residue mobility, and thermodynamic stability) performed at Invitae indicates that this missense variant is not expected to disrupt SMAD4 protein function with a negative predictive value of 95%. In summary, the available evidence is currently insufficient to determine the role of this variant in disease. Therefore, it has been classified as a Variant of Uncertain Significance.

Sema4
Classification: Uncertain significance for Hereditary cancer-predisposing syndrome. Last evaluated: 2021-10-26. Review status: criteria provided, single submitter. Criteria: Sema4 Curation Guidelines. Collection method: curation. Allele origin: germline.
Comment: The SMAD4 c.717G>C (p.Q239H) variant has not been reported in the literature to our knowledge. It was not observed in the large and broad cohorts of the Genome Aggregation Database. The variant has been reported in ClinVar (Variation ID: 826889). Functional studies have not been performed, and in silico predictions of the variant's effect on protein function are inconclusive. The evidence is insufficient to meet ACMG/AMP criteria for classifying the variant as benign or pathogenic. Thus, the clinical significance of this variant is currently uncertain.

NM_005359.6(SMAD4):c.717G>C (p.Gln239His)

Gene: SMAD4 (SMAD family member 4; plus strand). Cytogenetic location: 18q21.2.
Variant type: single nucleotide variant.
Coding change: c.717G>C on transcript NM_005359.6 (MANE Select); coding-DNA position 717, G replaced by C.
Protein change: p.Gln239His; replaces glutamine 239 with histidine.
Molecular consequence: missense variant.
Genome position (GRCh38, 1-based): chr18:51,058,174, G>C. VCF-style: chr18-51058174-G-C. GRCh37 (hg19) VCF-style: chr18-48584544-G-C.
Other names: short protein forms Q239H.
Identifiers: ClinVar variation 826889 (VCV000826889.16), dbSNP rs1599189519, ClinGen allele CA402462791.